The following is an entry in ClinVar:

NM_024685.4(BBS10):c.1667A>G (p.Glu556Gly)

Gene: BBS10 (Bardet-Biedl syndrome 10; minus strand). Cytogenetic location: 12q21.2.
Variant type: single nucleotide variant.
Coding change: c.1667A>G on transcript NM_024685.4 (MANE Select); coding-DNA position 1667, A replaced by G.
Protein change: p.Glu556Gly; replaces glutamic acid 556 with glycine.
Molecular consequence: missense variant.
Genome position (GRCh38, 1-based): chr12:76,346,318, T>C on the plus strand (A>G on the coding strand, the complement: BBS10 is on the minus strand). VCF-style: chr12-76346318-T-C. GRCh37 (hg19) VCF-style: chr12-76740098-T-C.
Other names: short protein forms E556G.
Identifiers: ClinVar variation 2998391 (VCV002998391.3), dbSNP rs2540955389, ClinGen allele CA385810600.

ClinVar aggregate classification (germline): Uncertain significance (1 of 4 stars; one submission).

Conditions:
Bardet-Biedl syndrome (BBS). Identifiers: Orphanet 110, MedGen C0752166, MONDO:0015229.

Submission:

Labcorp Genetics (formerly Invitae), Labcorp
Classification: Uncertain significance for Bardet-Biedl syndrome. Last evaluated: 2023-11-28. Review status: criteria provided, single submitter. Criteria: Invitae Variant Classification Sherloc (09022015). Collection method: clinical testing. Allele origin: germline.
Comment: This sequence change replaces glutamic acid, which is acidic and polar, with glycine, which is neutral and non-polar, at codon 556 of the BBS10 protein (p.Glu556Gly). This variant is not present in population databases (gnomAD no frequency). This variant has not been reported in the literature in individuals affected with BBS10-related conditions. Advanced modeling of protein sequence and biophysical properties (such as structural, functional, and spatial information, amino acid conservation, physicochemical variation, residue mobility, and thermodynamic stability) performed at Invitae indicates that this missense variant is not expected to disrupt BBS10 protein function with a negative predictive value of 80%. In summary, the available evidence is currently insufficient to determine the role of this variant in disease. Therefore, it has been classified as a Variant of Uncertain Significance.